The following is an entry in ClinVar:

NM_016169.4(SUFU):c.892C>T (p.Arg298Trp)

Gene: SUFU (SUFU negative regulator of hedgehog signaling; plus strand). Cytogenetic location: 10q24.32.
Variant type: single nucleotide variant.
Coding change: c.892C>T on transcript NM_016169.4 (MANE Select); coding-DNA position 892, C replaced by T.
Protein change: p.Arg298Trp; replaces arginine 298 with tryptophan.
Molecular consequence: missense variant.
Genome position (GRCh38, 1-based): chr10:102,597,275, C>T. VCF-style: chr10-102597275-C-T. GRCh37 (hg19) VCF-style: chr10-104357032-C-T.
Other names: c.892C>T, p.Arg298Trp (NM_001178133.2); short protein forms R298W.
Identifiers: ClinVar variation 572184 (VCV000572184.16), dbSNP rs771255988, ClinGen allele CA5667798.

ClinVar aggregate classification (germline): Uncertain significance. Review status: criteria provided, multiple submitters, no conflicts (2 of 4 stars). 4 submissions from 4 submitters: Uncertain significance (4). Last evaluated 2026-02-03.

Conditions:
Gorlin syndrome. Also called: Nevoid Basal Cell Carcinoma Syndrome; Basal cell nevus syndrome. Identifiers: Orphanet 377, MedGen C0004779, MONDO:0007187.
Medulloblastoma (MDB). Also called: Medulloblastoma, somatic; MEDULLOBLASTOMA PREDISPOSITION SYNDROME. Identifiers: Orphanet 616, MedGen C0025149, MeSH D008527, MONDO:0007959, OMIM 155255, HP:0002885.
Familial meningioma. Also called: Meningioma, familial, susceptibility to. Identifiers: Orphanet 263662, MedGen C3551915, MONDO:0011789, OMIM 607174.
Hereditary cancer-predisposing syndrome. Also called: Hereditary neoplastic syndrome; Neoplastic Syndromes, Hereditary; Hereditary Cancer Syndrome; Tumor predisposition. Identifiers: Orphanet 140162, MedGen C0027672, MeSH D009386, MONDO:0015356.

Allele frequency attached by ClinVar (database versions not stated): gnomAD exomes 0.00001 and 0.00003; gnomAD 0.00002; TOPMed 0.00002; ExAC 0.00004.
gnomAD v4.1: 18 of 1,613,426 alleles (0.0011%); highest among the groups gnomAD compares: African/African-American, 0.0053%; no homozygotes.

Submissions (4):

Labcorp Genetics (formerly Invitae), Labcorp
Classification: Uncertain significance for Gorlin syndrome; Medulloblastoma. Last evaluated: 2026-02-03. Review status: criteria provided, single submitter. Criteria: Invitae Variant Classification Sherloc (09022015). Collection method: clinical testing. Allele origin: germline.
Comment: This sequence change replaces arginine, which is basic and polar, with tryptophan, which is neutral and slightly polar, at codon 298 of the SUFU protein (p.Arg298Trp). This variant is present in population databases (rs771255988, gnomAD 0.01%). This variant has not been reported in the literature in individuals affected with SUFU-related conditions. ClinVar contains an entry for this variant (Variation ID: 572184). Invitae Evidence Modeling of protein sequence and biophysical properties (such as structural, functional, and spatial information, amino acid conservation, physicochemical variation, residue mobility, and thermodynamic stability) indicates that this missense variant is not expected to disrupt SUFU protein function with a negative predictive value of 80%. In summary, the available evidence is currently insufficient to determine the role of this variant in disease. Therefore, it has been classified as a Variant of Uncertain Significance.

Blueprint Genetics
Classification: Uncertain significance. Last evaluated: 2024-06-10. Review status: criteria provided, single submitter. Criteria: ACMG Guidelines, 2015. Collection method: clinical testing. Allele origin: germline.

Ambry Genetics
Classification: Uncertain significance for Hereditary cancer-predisposing syndrome. Last evaluated: 2023-11-15. Review status: criteria provided, single submitter. Criteria: Ambry Variant Classification Scheme 2023. Collection method: clinical testing. Allele origin: germline.
Comment: The p.R298W variant (also known as c.892C>T), located in coding exon 7 of the SUFU gene, results from a C to T substitution at nucleotide position 892. The arginine at codon 298 is replaced by tryptophan, an amino acid with dissimilar properties. This amino acid position is highly conserved in available vertebrate species. In addition, this alteration is predicted to be deleterious by in silico analysis. Since supporting evidence is limited at this time, the clinical significance of this alteration remains unclear.

Baylor Genetics
Classification: Uncertain significance for Familial meningioma. Last evaluated: 2023-10-13. Review status: criteria provided, single submitter. Criteria: ACMG Guidelines, 2015. Collection method: clinical testing. Allele origin: unknown.